The following is an entry in ClinVar:

NM_020975.6(RET):c.336C>A (p.Arg112=)

Gene: RET (ret proto-oncogene; plus strand). Cytogenetic location: 10q11.21.
Variant type: single nucleotide variant.
Coding change: c.336C>A on transcript NM_020975.6 (MANE Select); coding-DNA position 336, C replaced by A.
Protein change: p.Arg112=; no amino-acid change (arginine 112 retained).
Molecular consequence: synonymous variant. On other transcripts: intron variant (4).
Genome position (GRCh38, 1-based): chr10:43,100,721, C>A. VCF-style: chr10-43100721-C-A. GRCh37 (hg19) VCF-style: chr10-43596169-C-A.
Other names: c.336C>A, p.Arg112= (NM_000323.2, NM_001406743.1, NM_001406744.1 and 34 more transcripts); c.74-8310C>A (NM_001406784.1); c.74-11378C>A (NM_001406794.1, NM_001406792.1, NM_001406793.1).
Identifiers: ClinVar variation 2852352 (VCV002852352.4), dbSNP rs2132665616, ClinGen allele CA469490359.

ClinVar aggregate classification (germline): Conflicting classifications of pathogenicity. Review status: criteria provided, conflicting classifications (1 of 4 stars). 2 submissions from 2 submitters: Uncertain significance (1); Likely benign (1). Last evaluated 2026-01-06.

Conditions:
Hereditary cancer-predisposing syndrome. Also called: Tumor predisposition; Neoplastic Syndromes, Hereditary; Hereditary Cancer Syndrome; Hereditary neoplastic syndrome. Identifiers: Orphanet 140162, MedGen C0027672, MeSH D009386, MONDO:0015356.
Multiple endocrine neoplasia, type 2 (MEN2). Identifiers: Orphanet 653, MedGen C4048306, MONDO:0019003. Disease mechanism: gain of function.

Submissions (2):

Ambry Genetics
Classification: Likely benign for Hereditary cancer-predisposing syndrome. Last evaluated: 2026-01-06. Review status: criteria provided, single submitter. Criteria: Ambry Variant Classification Scheme 2023. Collection method: clinical testing. Allele origin: germline.

Labcorp Genetics (formerly Invitae), Labcorp
Classification: Uncertain significance for Multiple endocrine neoplasia, type 2. Last evaluated: 2023-04-06. Review status: criteria provided, single submitter. Criteria: Invitae Variant Classification Sherloc (09022015). Collection method: clinical testing. Allele origin: germline.
Comment: In summary, the available evidence is currently insufficient to determine the role of this variant in disease. Therefore, it has been classified as a Variant of Uncertain Significance. Algorithms developed to predict the effect of sequence changes on RNA splicing suggest that this variant is not likely to affect RNA splicing. This variant has not been reported in the literature in individuals affected with RET-related conditions. This variant is not present in population databases (gnomAD no frequency). This sequence change affects codon 112 of the RET mRNA. It is a 'silent' change, meaning that it does not change the encoded amino acid sequence of the RET protein. It affects a nucleotide within the consensus splice site.